The following is an entry in ClinVar:

NM_006096.4(NDRG1):c.380A>G (p.Gln127Arg)

Gene: NDRG1 (N-myc downstream regulated 1; minus strand). Cytogenetic location: 8q24.22.
Variant type: single nucleotide variant.
Coding change: c.380A>G on transcript NM_006096.4 (MANE Select); coding-DNA position 380, A replaced by G.
Protein change: p.Gln127Arg; replaces glutamine 127 with arginine.
Molecular consequence: missense variant.
Genome position (GRCh38, 1-based): chr8:133,259,177, T>C on the plus strand (A>G on the coding strand, the complement: NDRG1 is on the minus strand). VCF-style: chr8-133259177-T-C. GRCh37 (hg19) VCF-style: chr8-134271420-T-C.
Other names: c.380A>G, p.Gln127Arg (NM_001135242.2, NM_001374844.1, NM_001374845.1 and 1 more transcripts); c.182A>G, p.Gln61Arg (NM_001258432.2, NM_001374847.1); c.137A>G, p.Gln46Arg (NM_001258433.2); short protein forms Q127R, Q46R, Q61R.
Identifiers: ClinVar variation 2169668 (VCV002169668.4), dbSNP rs2538059341, ClinGen allele CA372256004.

ClinVar aggregate classification (germline): Uncertain significance (1 of 4 stars; one submission).

Conditions:
Charcot-Marie-Tooth disease type 4. Also called: Charcot-Marie-Tooth, Type 4; Charcot-Marie-Tooth disease, type IV. Identifiers: Orphanet 64749, MedGen C4082197, MONDO:0018995.

Allele frequency attached by ClinVar (database versions not stated): gnomAD exomes below 0.00001.
gnomAD v4.1: 1 of 1,614,120 alleles (0.000062%); highest among the groups gnomAD compares: Non-Finnish European, 0.000085%; no homozygotes.

Submission:

Labcorp Genetics (formerly Invitae), Labcorp
Classification: Uncertain significance for Charcot-Marie-Tooth disease type 4. Last evaluated: 2024-10-26. Review status: criteria provided, single submitter. Criteria: Invitae Variant Classification Sherloc (09022015). Collection method: clinical testing. Allele origin: germline.
Comment: This sequence change replaces glutamine, which is neutral and polar, with arginine, which is basic and polar, at codon 127 of the NDRG1 protein (p.Gln127Arg). This variant is not present in population databases (gnomAD no frequency). This variant has not been reported in the literature in individuals affected with NDRG1-related conditions. ClinVar contains an entry for this variant (Variation ID: 2169668). Invitae Evidence Modeling of protein sequence and biophysical properties (such as structural, functional, and spatial information, amino acid conservation, physicochemical variation, residue mobility, and thermodynamic stability) indicates that this missense variant is not expected to disrupt NDRG1 protein function with a negative predictive value of 80%. In summary, the available evidence is currently insufficient to determine the role of this variant in disease. Therefore, it has been classified as a Variant of Uncertain Significance.